The following is an entry in ClinVar:

ClinVar aggregate classification (germline): Uncertain significance (1 of 4 stars; one submission).

Conditions:
Hereditary cancer-predisposing syndrome. Also called: Hereditary neoplastic syndrome; Neoplastic Syndromes, Hereditary; Tumor predisposition; Hereditary Cancer Syndrome. Identifiers: Orphanet 140162, MedGen C0027672, MeSH D009386, MONDO:0015356.

Submission:

Ambry Genetics
Classification: Uncertain significance for Hereditary cancer-predisposing syndrome. Last evaluated: 2025-07-12. Review status: criteria provided, single submitter. Criteria: Ambry Variant Classification Scheme 2023. Collection method: clinical testing. Allele origin: germline.
Comment: The p.W1055C variant (also known as c.3165G>T), located in coding exon 25 of the POLD1 gene, results from a G to T substitution at nucleotide position 3165. The tryptophan at codon 1055 is replaced by cysteine, an amino acid with highly dissimilar properties. This amino acid position is conserved. In addition, this alteration is predicted to be tolerated by in silico analysis. Based on the available evidence, the clinical significance of this variant remains unclear.

NM_002691.4(POLD1):c.3165G>T (p.Trp1055Cys)

Gene: POLD1 (DNA polymerase delta 1, catalytic subunit; plus strand). Cytogenetic location: 19q13.33.
Variant type: single nucleotide variant.
Coding change: c.3165G>T on transcript NM_002691.4 (MANE Select); coding-DNA position 3165, G replaced by T.
Protein change: p.Trp1055Cys; replaces tryptophan 1055 with cysteine.
Molecular consequence: missense variant. On other transcripts: non-coding transcript variant (1).
Genome position (GRCh38, 1-based): chr19:50,417,216, G>T. VCF-style: chr19-50417216-G-T. GRCh37 (hg19) VCF-style: chr19-50920473-G-T.
Other names: c.3165G>T, p.Trp1055Cys (NM_001256849.1, NM_001438212.1, NM_001438213.1); c.3243G>T, p.Trp1081Cys (NM_001308632.1); c.3093G>T, p.Trp1031Cys (NM_001438210.1, NM_001438211.1); short protein forms W1031C, W1055C, W1081C.
Identifiers: ClinVar variation 4141001 (VCV004141001.1).
Genomic context (GRCh38, chr19:50,417,216, plus strand): 5'-CCGCTGCCGTCCCCAGGTATCCCATCTGAATGCCCTGGAGGAGCGCTTCTCGCGCCTCTG[G>T]ACGCAGTGCCAGCGCTGCCAGGGCAGCCTGCACGAGGACGTCATCTGCACCAGGTGTGTG-3'
Protein context (NP_002682.2, residues 1045-1065): NALEERFSRL[Trp1055Cys]TQCQRCQGSL